The following is an entry in ClinVar:

ClinVar aggregate classification (germline): Conflicting classifications of pathogenicity. Review status: criteria provided, conflicting classifications (1 of 4 stars). 2 submissions from 2 submitters: Uncertain significance (1); Likely benign (1). Last evaluated 2024-10-23.

Conditions:
Cranioectodermal dysplasia 2 (CED2). Identifiers: Orphanet 1515, MedGen C3150874, MONDO:0013323, OMIM 613610.
Short-rib thoracic dysplasia 7 with or without polydactyly (SRTD7). Also called: Short rib polydactyly syndrome 5; SHORT-RIB THORACIC DYSPLASIA 7 WITH POLYDACTYLY. Identifiers: Orphanet 498497, Orphanet 93271, MedGen C3279792, MONDO:0013569, OMIM 614091.

Allele frequency attached by ClinVar (database versions not stated): gnomAD exomes below 0.00001.
gnomAD v4.1: 3 of 1,613,014 alleles (0.00019%); highest among the groups gnomAD compares: Non-Finnish European, 0.00017%; no homozygotes.

Submissions (2):

Labcorp Genetics (formerly Invitae), Labcorp
Classification: Likely benign for Cranioectodermal dysplasia 2; Short-rib thoracic dysplasia 7 with or without polydactyly. Last evaluated: 2024-10-23. Review status: criteria provided, single submitter. Criteria: Invitae Variant Classification Sherloc (09022015). Collection method: clinical testing. Allele origin: germline.

GeneDx
Classification: Uncertain significance. Last evaluated: 2019-10-17. Review status: criteria provided, single submitter. Criteria: GeneDx Variant Classification Process June 2021. Collection method: clinical testing. Allele origin: germline. Affected: yes.
Comment: Not observed at a significant frequency in large population cohorts (Lek et al., 2016); In silico analysis, which includes splice predictors and evolutionary conservation, supports a deleterious effect; Has not been previously published as pathogenic or benign to our knowledge

NM_020779.4(WDR35):c.883-12T>G

Gene: WDR35 (WD repeat domain 35; minus strand). Cytogenetic location: 2p24.1.
Variant type: single nucleotide variant.
Coding change: c.883-12T>G on transcript NM_020779.4 (MANE Select); 12 bases into the intron before coding-DNA position 883, T replaced by G.
Molecular consequence: intron variant.
Genome position (GRCh38, 1-based): chr2:19,969,617, A>C on the plus strand (T>G on the coding strand, the complement: WDR35 is on the minus strand). VCF-style: chr2-19969617-A-C. GRCh37 (hg19) VCF-style: chr2-20169378-A-C.
Other names: c.883-12T>G (NM_001006657.2).
Identifiers: ClinVar variation 1309534 (VCV001309534.5), dbSNP rs1393592663, ClinGen allele CA530856566.
Genomic context (GRCh38, chr2:19,969,617, plus strand): 5'-AAGATAGTGCAGATATTTCCTTTCCAGGAACTTTCAAAGTACCCAGATGCTGAAAAAGAA[A>C]GTTATCTTTAACCTAAAGTATAACAATTAACTGAAATACAAATTACCACCAATCACTTCA-3'